The following is an entry in ClinVar:

ClinVar aggregate classification (germline): Uncertain significance. Review status: criteria provided, multiple submitters, no conflicts (2 of 4 stars). 4 submissions from 4 submitters: Uncertain significance (4). Last evaluated 2023-09-15.

Conditions:
Hereditary cancer-predisposing syndrome. Also called: Neoplastic Syndromes, Hereditary; Tumor predisposition; Hereditary neoplastic syndrome; Hereditary Cancer Syndrome. Identifiers: Orphanet 140162, MedGen C0027672, MeSH D009386, MONDO:0015356.
Hereditary nonpolyposis colorectal neoplasms. Identifiers: MedGen C0009405, MeSH D003123.

Submissions (4):

Clinical Genetics Laboratory, Skane University Hospital Lund
Classification: Uncertain significance. Last evaluated: 2023-09-15. Review status: criteria provided, single submitter. Criteria: ACMG Guidelines, 2015. Collection method: clinical testing. Allele origin: germline. Affected: yes.

Labcorp Genetics (formerly Invitae), Labcorp
Classification: Uncertain significance for Hereditary nonpolyposis colorectal neoplasms. Last evaluated: 2023-08-10. Review status: criteria provided, single submitter. Criteria: Invitae Variant Classification Sherloc (09022015). Collection method: clinical testing. Allele origin: germline.
Comment: This sequence change replaces histidine, which is basic and polar, with tyrosine, which is neutral and polar, at codon 113 of the MSH6 protein (p.His113Tyr). This variant is not present in population databases (gnomAD no frequency). This variant has not been reported in the literature in individuals affected with MSH6-related conditions. ClinVar contains an entry for this variant (Variation ID: 823688). Advanced modeling of protein sequence and biophysical properties (such as structural, functional, and spatial information, amino acid conservation, physicochemical variation, residue mobility, and thermodynamic stability) performed at Invitae indicates that this missense variant is not expected to disrupt MSH6 protein function. In summary, the available evidence is currently insufficient to determine the role of this variant in disease. Therefore, it has been classified as a Variant of Uncertain Significance.

GeneDx
Classification: Uncertain significance. Last evaluated: 2023-03-06. Review status: criteria provided, single submitter. Criteria: GeneDx Variant Classification Process June 2021. Collection method: clinical testing. Allele origin: germline. Affected: yes.
Comment: Not observed at significant frequency in large population cohorts (gnomAD); In silico analysis supports that this missense variant has a deleterious effect on protein structure/function; Has not been previously published as pathogenic or benign to our knowledge

Ambry Genetics
Classification: Uncertain significance for Hereditary cancer-predisposing syndrome. Last evaluated: 2018-12-04. Review status: criteria provided, single submitter. Criteria: Ambry Variant Classification Scheme 2023. Collection method: clinical testing. Allele origin: germline.
Comment: The p.H113Y variant (also known as c.337C>T), located in coding exon 2 of the MSH6 gene, results from a C to T substitution at nucleotide position 337. The histidine at codon 113 is replaced by tyrosine, an amino acid with similar properties. This amino acid position is well conserved in available vertebrate species. In addition, the in silico prediction for this alteration is inconclusive. In addition, the CoDP in silico tool predicts this alteration to have a minor impact on molecular function, with a score of 0.006 (Terui H et al. J. Biomed. Sci. 2013 Apr;20:25). Since supporting evidence is limited at this time, the clinical significance of this alteration remains unclear.

NM_000179.3(MSH6):c.337C>T (p.His113Tyr)

Gene: MSH6 (mutS homolog 6; plus strand). Cytogenetic location: 2p16.3.
Variant type: single nucleotide variant.
Coding change: c.337C>T on transcript NM_000179.3 (MANE Select); coding-DNA position 337, C replaced by T.
Protein change: p.His113Tyr; replaces histidine 113 with tyrosine.
Molecular consequence: missense variant. On other transcripts: 5 prime UTR variant (2), intron variant (1).
Genome position (GRCh38, 1-based): chr2:47,791,003, C>T. VCF-style: chr2-47791003-C-T. GRCh37 (hg19) VCF-style: chr2-48018142-C-T.
Other names: c.-400C>T (NM_001281493.2); c.-566C>T (NM_001281494.2); c.237+7533C>T (NM_001281492.2); short protein forms H113Y.
Identifiers: ClinVar variation 823688 (VCV000823688.11), dbSNP rs1572708687, ClinGen allele CA346736960.